The following is an entry in ClinVar:

NM_000540.3(RYR1):c.8692+1del

Gene: RYR1 (ryanodine receptor 1; plus strand). Cytogenetic location: 19q13.2.
Variant type: Deletion.
Coding change: c.8692+1del on transcript NM_000540.3 (MANE Select); the canonical splice donor site of the intron after coding-DNA position 8692, one base deleted (G; older notation c.8692+1delG).
Molecular consequence: splice donor variant.
Genome position (GRCh38, 1-based): chr19:38,506,547, G deleted; the last of 2 consecutive G bases (chr19:38,506,546-38,506,547); deleting either gives the same sequence. VCF-style (leftmost placement, unchanged base first): chr19-38506545-AG-A. GRCh37 (hg19) VCF-style: chr19-38997185-AG-A.
Other names: c.8692+1del (NM_001042723.2).
Identifiers: ClinVar variation 3075206 (VCV003075206.1), dbSNP rs2514367724, ClinGen allele CA2825002793.

ClinVar aggregate classification (germline): Uncertain significance (1 of 4 stars; one submission).

Conditions:
Malignant hyperthermia, susceptibility to, 1 (MHS1). Also called: Anesthesia related hyperthermia; Malignant hyperpyrexia; Fulminating hyperpyrexia; Pharmacogenic myopathy; RYR1-Related Malignant Hyperthermia Susceptibility; Malignant hyperthermia suceptibility 1. Identifiers: Orphanet 423, MedGen C2930980, MONDO:0007783, OMIM 145600.

Submission:

All of Us Research Program, National Institutes of Health
Classification: Uncertain significance for Malignant hyperthermia, susceptibility to, 1. Last evaluated: 2024-01-11. Review status: criteria provided, single submitter. Criteria: ACMG Guidelines, 2015. Collection method: clinical testing. Allele origin: germline. Inheritance: Autosomal dominant inheritance. Observed: 1 variant allele, 1 heterozygote.
Comment: This study involves interpretation of variants in research participants for the purpose of population health screening. Participant phenotype was not available at the time of variant classification. Additional details can be found in publication PMID: 35346344, PMCID: PMC8962531